The following is an entry in ClinVar:

NM_000179.3(MSH6):c.3120T>C (p.Phe1040=)

Gene: MSH6 (mutS homolog 6; plus strand). Cytogenetic location: 2p16.3.
Variant type: single nucleotide variant.
Coding change: c.3120T>C on transcript NM_000179.3 (MANE Select); coding-DNA position 3120, T replaced by C.
Protein change: p.Phe1040=; no amino-acid change (phenylalanine 1040 retained).
Molecular consequence: synonymous variant.
Genome position (GRCh38, 1-based): chr2:47,801,103, T>C. VCF-style: chr2-47801103-T-C. GRCh37 (hg19) VCF-style: chr2-48028242-T-C.
Other names: c.2730T>C, p.Phe910= (NM_001281492.2); c.2214T>C, p.Phe738= (NM_001281493.2, NM_001281494.2).
Identifiers: ClinVar variation 512958 (VCV000512958.13), dbSNP rs1553414538, ClinGen allele CA426121999.

ClinVar aggregate classification (germline): Benign/Likely benign. Review status: criteria provided, multiple submitters, no conflicts (2 of 4 stars). 5 submissions from 5 submitters: Benign (1); Likely benign (4). Last evaluated 2026-01-25.

Conditions:
Hereditary nonpolyposis colorectal neoplasms. Identifiers: MedGen C0009405, MeSH D003123.
Hereditary cancer-predisposing syndrome. Also called: Hereditary Cancer Syndrome; Neoplastic Syndromes, Hereditary; Tumor predisposition; Hereditary neoplastic syndrome. Identifiers: Orphanet 140162, MedGen C0027672, MeSH D009386, MONDO:0015356.
Lynch syndrome 5 (LYNCH5). Also called: Colorectal cancer, hereditary nonpolyposis, type 5; Hereditary non-polyposis colorectal cancer, type 5. Identifiers: Orphanet 144, MedGen C1833477, MONDO:0013710, OMIM 614350. Disease mechanism: loss of function.

Submissions (5):

Labcorp Genetics (formerly Invitae), Labcorp
Classification: Likely benign for Hereditary nonpolyposis colorectal neoplasms. Last evaluated: 2026-01-25. Review status: criteria provided, single submitter. Criteria: Invitae Variant Classification Sherloc (09022015). Collection method: clinical testing. Allele origin: germline.

Myriad Genetics, Inc.
Classification: Benign for Lynch syndrome 5. Last evaluated: 2025-01-03. Review status: criteria provided, single submitter. Criteria: Myriad Autosomal Dominant, Autosomal Recessive and X-Linked Classification Criteria (2023). Collection method: clinical testing. Allele origin: unknown.
Comment: This variant is considered benign. This variant is a silent/synonymous amino acid change and it is not expected to impact splicing.

Ambry Genetics
Classification: Likely benign for Hereditary cancer-predisposing syndrome. Last evaluated: 2024-03-18. Review status: criteria provided, single submitter. Criteria: Ambry Variant Classification Scheme 2023. Collection method: clinical testing. Allele origin: germline.

Color Diagnostics, LLC DBA Color Health
Classification: Likely benign for Hereditary cancer-predisposing syndrome. Last evaluated: 2022-11-21. Review status: criteria provided, single submitter. Criteria: ACMG Guidelines, 2015. Collection method: clinical testing. Allele origin: germline.

GeneDx
Classification: Likely benign. Last evaluated: 2017-10-25. Review status: criteria provided, single submitter. Criteria: GeneDx Variant Classification (06012015). Collection method: clinical testing. Allele origin: germline. Affected: yes.
Comment: This variant is considered likely benign or benign based on one or more of the following criteria: it is a conservative change, it occurs at a poorly conserved position in the protein, it is predicted to be benign by multiple in silico algorithms, and/or has population frequency not consistent with disease.